The following is an entry in ClinVar:

ClinVar aggregate classification (germline): Conflicting classifications of pathogenicity. Review status: criteria provided, conflicting classifications (1 of 4 stars). 8 submissions from 8 submitters: Uncertain significance (4); Benign (1). 3 of the submissions do not count toward it. Last evaluated 2026-06-17.

Conditions:
PYGM-related disorder. Also called: PYGM-related condition.
Inborn genetic diseases. Identifiers: MedGen C0950123, MeSH D030342.
Glycogen storage disease, type V (GSD5). Also called: MCARDLE DISEASE; MUSCLE GLYCOGEN PHOSPHORYLASE DEFICIENCY; MYOPHOSPHORYLASE DEFICIENCY; McArdle type glycogen storage disease; PYGM DEFICIENCY. Identifiers: Orphanet 368, MedGen C0017924, MONDO:0009293, OMIM 232600.

Allele frequency attached by ClinVar (database versions not stated): gnomAD exomes 0.00014 and 0.00045; ESP Exome Variant Server 0.00216; 1000 Genomes Project 30x 0.00141; gnomAD 0.00157 and 0.00144; TOPMed 0.00166; ExAC 0.00133; 1000 Genomes Project 0.00160.
gnomAD v4.1: 428 of 1,573,906 alleles (0.027%); highest among the groups gnomAD compares: African/African-American, 0.52%; 3 homozygotes.

Submissions (8):

Ambry Genetics
Classification: Uncertain significance for Inborn genetic diseases. Last evaluated: 2026-06-17. Review status: criteria provided, single submitter. Criteria: Ambry Variant Classification Scheme 2023. Collection method: clinical testing. Allele origin: germline.

Labcorp Genetics (formerly Invitae), Labcorp
Classification: Benign for Glycogen storage disease, type V. Last evaluated: 2026-01-19. Review status: criteria provided, single submitter. Criteria: Invitae Variant Classification Sherloc (09022015). Collection method: clinical testing. Allele origin: germline.

GeneDx
Classification: Uncertain significance. Last evaluated: 2024-08-23. Review status: criteria provided, single submitter. Criteria: GeneDx Variant Classification Process June 2021. Collection method: clinical testing. Allele origin: germline. Affected: yes.
Comment: In silico analysis supports that this missense variant has a deleterious effect on protein structure/function; Has not been previously published as pathogenic or benign to our knowledge

ARUP Laboratories, Molecular Genetics and Genomics, ARUP Laboratories
Classification: Uncertain significance for Glycogen storage disease, type V. Last evaluated: 2023-08-17. Review status: criteria provided, single submitter. Criteria: ARUP Molecular Germline Variant Investigation Process 2024. Collection method: clinical testing. Allele origin: germline.
Comment: The PYGM c.1237A>T; p.Asn413Tyr variant (rs142054672), to our knowledge, is not reported in the medical literature but is reported in ClinVar (Variation ID: 193681). This variant is found in the African/African-American population with an allele frequency of 0.6% (125/19,752 alleles) in the Genome Aggregation Database. Computational analyses predict that this variant is deleterious (REVEL: 0711). While the relatively high population frequency suggests that this is likely a benign variant, given the lack of clinical and functional data, the significance of the p.Asn413Tyr variant is uncertain at this time.

Eurofins Ntd Llc (ga)
Classification: Uncertain significance. Last evaluated: 2014-05-15. Review status: criteria provided, single submitter. Criteria: EGL Classification Definitions 2015. Collection method: clinical testing. Allele origin: germline. Observed: 2 variant alleles, 2 heterozygotes.

Natera, Inc.
Classification: Uncertain significance for Glycogen storage disease V. Last evaluated: 2020-04-14. Review status: no assertion criteria provided. Collection method: clinical testing. Allele origin: germline. Not counted in ClinVar's aggregate classification.

PreventionGenetics, part of Exact Sciences
Classification: Likely benign for PYGM-related condition. Last evaluated: 2019-06-05. Review status: no assertion criteria provided. Collection method: clinical testing. Allele origin: germline. Not counted in ClinVar's aggregate classification.
Comment: This variant is classified as likely benign based on ACMG/AMP sequence variant interpretation guidelines (Richards et al. 2015 PMID: 25741868, with internal and published modifications).

Mayo Clinic Laboratories, Mayo Clinic
Classification: Uncertain significance. Last evaluated: 2017-05-24. Review status: no assertion criteria provided. Collection method: clinical testing. Allele origin: unknown. Not counted in ClinVar's aggregate classification.

NM_005609.4(PYGM):c.1237A>T (p.Asn413Tyr)

Gene: PYGM (glycogen phosphorylase, muscle associated; minus strand). Cytogenetic location: 11q13.1.
Variant type: single nucleotide variant.
Coding change: c.1237A>T on transcript NM_005609.4 (MANE Select); coding-DNA position 1237, A replaced by T.
Protein change: p.Asn413Tyr; replaces asparagine 413 with tyrosine.
Molecular consequence: missense variant.
Genome position (GRCh38, 1-based): chr11:64,753,881, T>A on the plus strand (A>T on the coding strand, the complement: PYGM is on the minus strand). VCF-style: chr11-64753881-T-A. GRCh37 (hg19) VCF-style: chr11-64521353-T-A.
Other names: c.973A>T, p.Asn325Tyr (NM_001164716.1); short protein forms N413Y, N325Y.
Identifiers: ClinVar variation 193681 (VCV000193681.24), dbSNP rs142054672, ClinGen allele CA239269.